The following is an entry in ClinVar:

NM_015277.5(NEDD4L):c.2367_2379del

Gene: NEDD4L (NEDD4 like E3 ubiquitin protein ligase; plus strand). Cytogenetic location: 18q21.31.
Variant type: Deletion.
Coding change: c.2367_2379del on transcript NM_015277.5; coding-DNA positions 2367 to 2379, 13 bases deleted (CTTAGTCATCCAG).
Genome position (GRCh38, 1-based): chr18:58,385,526-58,385,538, CTTAGTCATCCAG deleted; deleting any 13 consecutive bases within chr18:58,385,523-58,385,538 gives the same sequence; the c. name uses the placement nearest the transcript's 3' end. VCF-style (leftmost placement, unchanged base first): chr18-58385522-GCAGCTTAGTCATC-G. GRCh37 (hg19) VCF-style: chr18-56052754-GCAGCTTAGTCATC-G.
Other names: c.2367_2379del13 (NM_015277.5).
Identifiers: ClinVar variation 2239623 (VCV002239623.3), ClinGen allele CA990751247.
Genomic context (GRCh38, chr18:58,385,522, plus strand): 5'-GGAGAAAGCAGTGAGCACTAGTGATGATGGAGGTGGTTCAATATTGTCCTCTTTTCTCCT[GCAGCTTAGTCATC>G]CAGTGGAGATTTGTGAACAGGGTCCAGAAGCAGATGAACGCCTTCTTGGAGGTAAGCCAT-3'

ClinVar aggregate classification (germline): Uncertain significance. Review status: criteria provided, multiple submitters, no conflicts (2 of 4 stars). 2 submissions from 2 submitters: Uncertain significance (2). Last evaluated 2024-06-20.

Conditions:
Inborn genetic diseases. Identifiers: MedGen C0950123, MeSH D030342.

Submissions (2):

GeneDx
Classification: Uncertain significance. Last evaluated: 2024-06-20. Review status: criteria provided, single submitter. Criteria: GeneDx Variant Classification Process June 2021. Collection method: clinical testing. Allele origin: germline. Affected: yes.
Comment: Not observed at significant frequency in large population cohorts (gnomAD); Frameshift variant predicted to result in protein truncation or nonsense mediated decay in a gene for which loss-of-function is not an established mechanism of disease; Has not been previously published as pathogenic or benign to our knowledge

Ambry Genetics
Classification: Uncertain significance for Inborn genetic diseases. Last evaluated: 2021-09-02. Review status: criteria provided, single submitter. Criteria: Ambry Variant Classification Scheme 2023. Collection method: clinical testing. Allele origin: germline.
Comment: Loss of function has not been clearly established as a mechanism of disease Based on insufficient or conflicting evidence, the clinical significance of this alteration remains unclear.